The following is an entry in ClinVar:

ClinVar aggregate classification (germline): Uncertain significance (1 of 4 stars; one submission).

gnomAD v4.1: 23 of 1,613,922 alleles (0.0014%); highest among the groups gnomAD compares: Admixed American, 0.037%; no homozygotes.

Submission:

Labcorp Genetics (formerly Invitae), Labcorp
Classification: Uncertain significance. Last evaluated: 2021-12-21. Review status: criteria provided, single submitter. Criteria: Invitae Variant Classification Sherloc (09022015). Collection method: clinical testing. Allele origin: germline.
Comment: This sequence change replaces glutamine, which is neutral and polar, with glutamic acid, which is acidic and polar, at codon 822 of the EFL1 protein (p.Gln822Glu). This variant is present in population databases (rs750191260, gnomAD 0.03%). This variant has not been reported in the literature in individuals affected with EFL1-related conditions. Algorithms developed to predict the effect of missense changes on protein structure and function are either unavailable or do not agree on the potential impact of this missense change (SIFT: "Tolerated"; PolyPhen-2: "Not Available"; Align-GVGD: "Class C0"). In summary, the available evidence is currently insufficient to determine the role of this variant in disease. Therefore, it has been classified as a Variant of Uncertain Significance.

NM_024580.6(EFL1):c.2464C>G (p.Gln822Glu)

Gene: EFL1 (elongation factor like GTPase 1; minus strand). Cytogenetic location: 15q25.2.
Variant type: single nucleotide variant.
Coding change: c.2464C>G on transcript NM_024580.6 (MANE Select); coding-DNA position 2464, C replaced by G.
Protein change: p.Gln822Glu; replaces glutamine 822 with glutamic acid.
Molecular consequence: missense variant. On other transcripts: non-coding transcript variant (1).
Genome position (GRCh38, 1-based): chr15:82,151,990, G>C on the plus strand (C>G on the coding strand, the complement: EFL1 is on the minus strand). VCF-style: chr15-82151990-G-C. GRCh37 (hg19) VCF-style: chr15-82444331-G-C.
Other names: c.2311C>G, p.Gln771Glu (NM_001040610.3); c.1675C>G, p.Gln559Glu (NM_001322844.2); c.2464C>G, p.Gln822Glu (NM_001322845.2); short protein forms Q559E, Q771E, Q822E.
Identifiers: ClinVar variation 2074144 (VCV002074144.1), dbSNP rs750191260, ClinGen allele CA7697745.